The following is an entry in ClinVar:

ClinVar aggregate classification (germline): Pathogenic/Likely pathogenic. Review status: criteria provided, multiple submitters, no conflicts (2 of 4 stars). 5 submissions from 5 submitters: Pathogenic (2); Likely pathogenic (3). Last evaluated 2025-05-01.

Conditions:
Neuronal ceroid lipofuscinosis. Also called: Neuronal Ceroid Lipofuscinoses. Identifiers: Orphanet 216, Orphanet 79263, MedGen C0027877, MONDO:0016295. Disease mechanism: loss of function.
CLN8-related disorder. Also called: CLN8-related condition.
Neuronal ceroid lipofuscinosis 8 (CLN8). Also called: CLN8-Related Neuronal Ceroid-Lipofuscinosis. Identifiers: Orphanet 168491, Orphanet 228354, Orphanet 79264, MedGen C1838570, MONDO:0010830, OMIM 600143.
Neuronal ceroid lipofuscinosis 8 northern epilepsy variant. Also called: NORTHERN EPILEPSY; EPILEPSY, PROGRESSIVE, WITH MENTAL RETARDATION. Identifiers: Orphanet 1947, MedGen C1864923, MONDO:0012391, OMIM 610003.

Allele frequency attached by ClinVar (database versions not stated): gnomAD 0.00001; gnomAD exomes 0.00001; TOPMed 0.00001.
gnomAD v4.1: 25 of 1,614,094 alleles (0.0015%); highest among the groups gnomAD compares: Non-Finnish European, 0.0016%; no homozygotes.

Submissions (5):

CeGaT Center for Human Genetics Tuebingen
Classification: Pathogenic. Last evaluated: 2025-05-01. Review status: criteria provided, single submitter. Criteria: CeGaT Center For Human Genetics Tuebingen Variant Classification Criteria Version 2. Collection method: clinical testing. Allele origin: germline. Affected: yes. Observed: 1 variant allele.
Comment: CLN8: PVS1, PM2

Labcorp Genetics (formerly Invitae), Labcorp
Classification: Pathogenic for Neuronal ceroid lipofuscinosis. Last evaluated: 2025-01-15. Review status: criteria provided, single submitter. Criteria: Invitae Variant Classification Sherloc (09022015). Collection method: clinical testing. Allele origin: germline.
Comment: This sequence change creates a premature translational stop signal (p.Gln99*) in the CLN8 gene. It is expected to result in an absent or disrupted protein product. Loss-of-function variants in CLN8 are known to be pathogenic (PMID: 15024724). This variant is present in population databases (rs750162094, gnomAD 0.0009%). This variant has not been reported in the literature in individuals affected with CLN8-related conditions. ClinVar contains an entry for this variant (Variation ID: 654163). For these reasons, this variant has been classified as Pathogenic.

Natera, Inc.
Classification: Likely pathogenic for Neuronal ceroid lipofuscinosis 8. Last evaluated: 2024-07-02. Review status: criteria provided, single submitter. Criteria: Natera Variant Classification Schema (03/2026). Collection method: clinical testing. Allele origin: germline.
Comment: The c.295C>T variant in CLN8 is a nonsense variant predicted to introduce a stop codon at amino acid 99. This variant is expected to result in nonsense mediated decay, truncation, or a dysfunctional protein product. This variant is rare in the general population with a frequency below the threshold expected for the associated phenotype(s). Given the available evidence, this variant is classified as Likely Pathogenic.

Fulgent Genetics
Classification: Likely pathogenic for Neuronal ceroid lipofuscinosis 8; Neuronal ceroid lipofuscinosis 8 northern epilepsy variant. Last evaluated: 2024-03-14. Review status: criteria provided, single submitter. Criteria: ACMG Guidelines, 2015. Collection method: clinical testing. Allele origin: germline.

Blueprint Genetics
Classification: Likely pathogenic for CLN8-related disorders. Last evaluated: 2022-07-17. Review status: criteria provided, single submitter. Criteria: ACMG Guidelines, 2015. Collection method: clinical testing. Allele origin: germline. Affected: yes. Observed: 2 variant alleles.

Literature cited by the submitters: PubMed 15024724 (cited by Labcorp Genetics (formerly Invitae), Labcorp).

NM_018941.4(CLN8):c.295C>T (p.Gln99Ter)

Gene: CLN8 (CLN8 transmembrane ER and ERGIC protein; plus strand). Cytogenetic location: 8p23.3.
Variant type: single nucleotide variant.
Coding change: c.295C>T on transcript NM_018941.4 (MANE Select); coding-DNA position 295, C replaced by T.
Protein change: p.Gln99Ter; replaces glutamine 99 with a stop codon.
Molecular consequence: nonsense.
Genome position (GRCh38, 1-based): chr8:1,771,349, C>T. VCF-style: chr8-1771349-C-T. GRCh37 (hg19) VCF-style: chr8-1719515-C-T.
Other names: short protein forms Q99*.
Identifiers: ClinVar variation 654163 (VCV000654163.21), dbSNP rs750162094, ClinGen allele CA170445729.